The following is an entry in ClinVar:

ClinVar aggregate classification (germline): Pathogenic. Review status: reviewed by expert panel (3 of 4 stars). 2 submissions from 2 submitters: Pathogenic (1). 1 of the submissions does not count toward it. Last evaluated 2016-09-08.

Conditions:
Breast-ovarian cancer, familial, susceptibility to, 2 (BROVCA2). Also called: BRCA2 Hereditary Breast and Ovarian Cancer. Identifiers: Orphanet 145, MedGen C2675520, MONDO:0012933, OMIM 612555. Disease mechanism: loss of function.

Submissions (2):

Evidence-based Network for the Interpretation of Germline Mutant Alleles (ENIGMA)
Classification: Pathogenic for Breast-ovarian cancer, familial, susceptibility to, 2. Last evaluated: 2016-09-08. Review status: reviewed by expert panel. Criteria: ENIGMA BRCA1/2 Classification Criteria (2015). Collection method: curation. Allele origin: germline.
Comment: Variant allele predicted to encode a truncated non-functional protein.

Consortium of Investigators of Modifiers of BRCA1/2 (CIMBA), c/o University of Cambridge
Classification: Pathogenic for Breast-ovarian cancer, familial, susceptibility to, 2. Last evaluated: 2015-10-02. Review status: criteria provided, single submitter. Criteria: CIMBA Mutation Classification guidelines May 2016. Collection method: clinical testing. Allele origin: germline. Not counted in ClinVar's aggregate classification.

NM_000059.4(BRCA2):c.1226del (p.Glu409fs)

Gene: BRCA2 (BRCA2 DNA repair associated; plus strand). Cytogenetic location: 13q13.1.
Variant type: Deletion.
Coding change: c.1226del on transcript NM_000059.4 (MANE Select); coding-DNA position 1226, one base deleted (A; older notation c.1226delA).
Protein change: p.Glu409fs; shifts the reading frame from glutamic acid 409.
Molecular consequence: frameshift variant.
Genome position (GRCh38, 1-based): chr13:32,332,704, A deleted. VCF-style (leftmost placement, unchanged base first): chr13-32332703-GA-G. GRCh37 (hg19) VCF-style: chr13-32906840-GA-G.
Other names: c.1226delA (NM_000059.3).
Identifiers: ClinVar variation 254489 (VCV000254489.5), dbSNP rs886038063, ClinGen allele CA10586492.